The following is an entry in ClinVar:

ClinVar aggregate classification (germline): Uncertain significance. Review status: criteria provided, multiple submitters, no conflicts (2 of 4 stars). 2 submissions from 2 submitters: Uncertain significance (2). Last evaluated 2024-10-08.

Conditions:
Familial thoracic aortic aneurysm and aortic dissection (TAAD). Also called: Thoracic aortic aneurysms and dissections. Identifiers: Orphanet 91387, MedGen C4707243, MONDO:0019625.

Allele frequency attached by ClinVar (database versions not stated): TOPMed below 0.00001.

Submissions (2):

Ambry Genetics
Classification: Uncertain significance for Familial thoracic aortic aneurysm and aortic dissection. Last evaluated: 2024-10-08. Review status: criteria provided, single submitter. Criteria: Ambry Variant Classification Scheme 2023. Collection method: clinical testing. Allele origin: germline.
Comment: The p.V1452G variant (also known as c.4355T>G), located in coding exon 23 of the MYLK gene, results from a T to G substitution at nucleotide position 4355. The valine at codon 1452 is replaced by glycine, an amino acid with dissimilar properties. This amino acid position is conserved. In addition, the in silico prediction for this alteration is inconclusive. Based on the available evidence, the clinical significance of this variant remains unclear.

GeneDx
Classification: Uncertain significance. Last evaluated: 2021-02-02. Review status: criteria provided, single submitter. Criteria: GeneDx Variant Classification Process June 2021. Collection method: clinical testing. Allele origin: germline. Affected: yes.
Comment: Has not been previously published as pathogenic or benign to our knowledge; Not observed in large population cohorts (Lek et al., 2016); In silico analysis supports that this missense variant has a deleterious effect on protein structure/function

NM_053025.4(MYLK):c.4355T>G (p.Val1452Gly)

Gene: MYLK (myosin light chain kinase; minus strand). Cytogenetic location: 3q21.1.
Variant type: single nucleotide variant.
Coding change: c.4355T>G on transcript NM_053025.4 (MANE Select); coding-DNA position 4355, T replaced by G.
Protein change: p.Val1452Gly; replaces valine 1452 with glycine.
Molecular consequence: missense variant.
Genome position (GRCh38, 1-based): chr3:123,649,031, A>C on the plus strand (T>G on the coding strand, the complement: MYLK is on the minus strand). VCF-style: chr3-123649031-A-C. GRCh37 (hg19) VCF-style: chr3-123367878-A-C.
Other names: c.3827T>G, p.Val1276Gly (NM_001321309.2); c.4148T>G, p.Val1383Gly (NM_053026.4, NM_053028.4); c.4355T>G, p.Val1452Gly (NM_053027.4); short protein forms V1276G, V1383G, V1452G.
Identifiers: ClinVar variation 1318873 (VCV001318873.3), dbSNP rs2059118268, ClinGen allele CA354227549.